The following is an entry in ClinVar:

NM_024529.5(CDC73):c.1480_1481dup (p.Val494_Thr495insTer)

Gene: CDC73 (cell division cycle 73; plus strand). Cytogenetic location: 1q31.2.
Variant type: Duplication.
Coding change: c.1480_1481dup on transcript NM_024529.5 (MANE Select); coding-DNA positions 1480 to 1481, 2 bases duplicated (GT; older notation c.1480_1481dupGT).
Protein change: p.Val494_Thr495insTer.
Molecular consequence: frameshift variant. On other transcripts: nonsense (1).
Genome position (GRCh38, 1-based): chr1:193,249,792-193,249,793, GT duplicated; duplicating any 2 consecutive bases within chr1:193,249,791-193,249,793 gives the same sequence; the c. name uses the placement nearest the transcript's 3' end. VCF-style (leftmost placement, unchanged base first): chr1-193249790-A-ATG. GRCh37 (hg19) VCF-style: chr1-193218920-A-ATG.
Other names: c.1480_1481dupGT (NM_024529.4).
Identifiers: ClinVar variation 2565266 (VCV002565266.2), dbSNP rs1678016165, ClinGen allele CA1216170372.

ClinVar aggregate classification (germline): Pathogenic (1 of 4 stars; one submission).

Conditions:
Hereditary cancer-predisposing syndrome. Also called: Neoplastic Syndromes, Hereditary; Hereditary Cancer Syndrome; Hereditary neoplastic syndrome; Tumor predisposition. Identifiers: Orphanet 140162, MedGen C0027672, MeSH D009386, MONDO:0015356.

Submission:

Ambry Genetics
Classification: Pathogenic for Hereditary cancer-predisposing syndrome. Last evaluated: 2023-04-05. Review status: criteria provided, single submitter. Criteria: Ambry Variant Classification Scheme 2023. Collection method: clinical testing. Allele origin: germline.
Comment: The c.1480_1481dupGT pathogenic mutation, located in coding exon 16 of the CDC73 gene, results from a duplication of GT at nucleotide position 1480, causing a translational frameshift with a predicted alternate stop codon (p.T495*). This variant is considered to be rare based on population cohorts in the Genome Aggregation Database (gnomAD). This alteration is expected to result in loss of function by premature protein truncation or nonsense-mediated mRNA decay. As such, this alteration is interpreted as a disease-causing mutation.